The following is an entry in ClinVar:

NM_000059.4(BRCA2):c.6738A>G (p.Pro2246=)

Gene: BRCA2 (BRCA2 DNA repair associated; plus strand). Cytogenetic location: 13q13.1.
Variant type: single nucleotide variant.
Coding change: c.6738A>G on transcript NM_000059.4 (MANE Select); coding-DNA position 6738, A replaced by G.
Protein change: p.Pro2246=; no amino-acid change (proline 2246 retained).
Molecular consequence: synonymous variant.
Genome position (GRCh38, 1-based): chr13:32,341,093, A>G. VCF-style: chr13-32341093-A-G. GRCh37 (hg19) VCF-style: chr13-32915230-A-G.
Identifiers: ClinVar variation 184062 (VCV000184062.28), dbSNP rs760272304, ClinGen allele CA024357.

ClinVar aggregate classification (germline): Likely benign. Review status: reviewed by expert panel (3 of 4 stars). 9 submissions from 9 submitters: Likely benign (1). 8 of the submissions do not count toward it. Last evaluated 2017-06-29.

Conditions:
Breast and/or ovarian cancer. Identifiers: MedGen CN221562.
Hereditary cancer-predisposing syndrome. Also called: Tumor predisposition; Hereditary Cancer Syndrome; Hereditary neoplastic syndrome; Neoplastic Syndromes, Hereditary. Identifiers: Orphanet 140162, MedGen C0027672, MeSH D009386, MONDO:0015356.
Hereditary breast ovarian cancer syndrome. Also called: Breast and ovarian cancer; Hereditary breast and ovarian cancer syndrome; Hereditary breast and ovarian cancer; BRCA1- and BRCA2-Associated Hereditary Breast and Ovarian Cancer; Hereditary breast and ovarian cancer syndrome (HBOC); Hereditary breast and/or ovarian cancer syndrome. Identifiers: Orphanet 145, MedGen C0677776, MeSH D061325, MONDO:0003582. Disease mechanism: loss of function.
Breast-ovarian cancer, familial, susceptibility to, 2 (BROVCA2). Also called: BRCA2 Hereditary Breast and Ovarian Cancer. Identifiers: Orphanet 145, MedGen C2675520, MONDO:0012933, OMIM 612555. Disease mechanism: loss of function.

Allele frequency attached by ClinVar (database versions not stated): gnomAD exomes 0.00001 and 0.00002; ExAC 0.00002.
gnomAD v4.1: 4 of 1,614,018 alleles (0.00025%); highest among the groups gnomAD compares: East Asian, 0.0067%; no homozygotes.

Submissions (9):

Evidence-based Network for the Interpretation of Germline Mutant Alleles (ENIGMA)
Classification: Likely benign for Breast-ovarian cancer, familial, susceptibility to, 2. Last evaluated: 2017-06-29. Review status: reviewed by expert panel. Criteria: ENIGMA BRCA1/2 Classification Criteria (2017-06-29). Collection method: curation. Allele origin: germline.
Comment: Synonymous substitution variant, with low bioinformatic likelihood to result in a splicing aberration (Splicing prior probability 0.02).

Labcorp Genetics (formerly Invitae), Labcorp
Classification: Likely benign for Hereditary breast ovarian cancer syndrome. Last evaluated: 2025-12-13. Review status: criteria provided, single submitter. Criteria: Invitae Variant Classification Sherloc (09022015). Collection method: clinical testing. Allele origin: germline. Not counted in ClinVar's aggregate classification.

Women's Health and Genetics/Laboratory Corporation of America, LabCorp
Classification: Likely benign. Last evaluated: 2025-06-17. Review status: criteria provided, single submitter. Criteria: LabCorp Variant Classification Summary - May 2015. Collection method: clinical testing. Allele origin: germline. Not counted in ClinVar's aggregate classification.

Quest Diagnostics Nichols Institute San Juan Capistrano
Classification: Likely benign. Last evaluated: 2022-11-01. Review status: criteria provided, single submitter. Criteria: Quest Diagnostics criteria. Collection method: clinical testing. Allele origin: unknown. Not counted in ClinVar's aggregate classification.

GeneDx
Classification: Likely benign. Last evaluated: 2019-07-10. Review status: criteria provided, single submitter. Criteria: GeneDx Variant Classification Process June 2021. Collection method: clinical testing. Allele origin: germline. Affected: yes. Not counted in ClinVar's aggregate classification.

Color Diagnostics, LLC DBA Color Health
Classification: Likely benign for Hereditary cancer-predisposing syndrome. Last evaluated: 2017-01-22. Review status: criteria provided, single submitter. Criteria: ACMG Guidelines, 2015. Collection method: clinical testing. Allele origin: germline. Not counted in ClinVar's aggregate classification.

CHEO Genetics Diagnostic Laboratory, Children's Hospital of Eastern Ontario
Classification: Uncertain significance for Breast and/or ovarian cancer. Last evaluated: 2015-08-11. Review status: criteria provided, single submitter. Criteria: ACMG Guidelines, 2015. Collection method: clinical testing. Allele origin: germline. Study: Canadian Open Genetics Repository. Not counted in ClinVar's aggregate classification.

Ambry Genetics
Classification: Likely benign for Hereditary cancer-predisposing syndrome. Last evaluated: 2014-12-09. Review status: criteria provided, single submitter. Criteria: Ambry Variant Classification Scheme 2023. Collection method: clinical testing. Allele origin: germline. Not counted in ClinVar's aggregate classification.

Counsyl
Classification: Likely benign for Breast-ovarian cancer, familial, susceptibility to, 2. Last evaluated: 2015-11-18. Review status: no assertion criteria provided. Collection method: clinical testing. Allele origin: unknown. Not counted in ClinVar's aggregate classification.